The following is an entry in ClinVar:

ClinVar aggregate classification (germline): Benign (1 of 4 stars; one submission).

Conditions:
Lysinuric protein intolerance (LPI). Identifiers: Orphanet 470, MedGen C0268647, MONDO:0009109, OMIM 222700.

Allele frequency attached by ClinVar (database versions not stated): TOPMed 0.00574; 1000 Genomes Project 30x 0.00578; gnomAD 0.00586; 1000 Genomes Project 0.00579.

Submission:

Illumina Laboratory Services, Illumina
Classification: Benign for Lysinuric protein intolerance. Last evaluated: 2018-01-12. Review status: criteria provided, single submitter. Criteria: ICSL Variant Classification Criteria 13 December 2019. Collection method: clinical testing. Allele origin: germline.
Comment: This variant was observed in the ICSL laboratory as part of a predisposition screen in an ostensibly healthy population. It had not been previously curated by ICSL or reported in the Human Gene Mutation Database (HGMD: prior to June 1st, 2018), and was therefore a candidate for classification through an automated scoring system. Utilizing variant allele frequency, disease prevalence and penetrance estimates, and inheritance mode, an automated score was calculated to assess if this variant is too frequent to cause the disease. Based on the score and internal cut-off values, a variant classified as benign is not then subjected to further curation. The score for this variant resulted in a classification of benign for this disease.

NM_001126106.4(SLC7A7):c.-264C>T

Gene: SLC7A7 (solute carrier family 7 member 7; minus strand). Cytogenetic location: 14q11.2.
Variant type: single nucleotide variant.
Coding change: c.-264C>T on transcript NM_001126106.4; 264 bases upstream of the start codon, C replaced by T.
Molecular consequence: 5 prime UTR variant.
Genome position (GRCh38, 1-based): chr14:22,819,727, G>A on the plus strand (C>T on the coding strand, the complement: SLC7A7 is on the minus strand). VCF-style: chr14-22819727-G-A. GRCh37 (hg19) VCF-style: chr14-23288936-G-A.
Identifiers: ClinVar variation 312837 (VCV000312837.7), dbSNP rs8015849, ClinGen allele CA10639937.